The following is an entry in ClinVar:

NM_005861.4(STUB1):c.384_387dup (p.Asn130fs)

Gene: STUB1 (STIP1 homology and U-box containing protein 1; plus strand). Cytogenetic location: 16p13.3.
Variant type: Duplication.
Coding change: c.384_387dup on transcript NM_005861.4 (MANE Select); coding-DNA positions 384 to 387, 4 bases duplicated (GCTG; older notation c.384_387dupGCTG).
Protein change: p.Asn130fs; shifts the reading frame from asparagine 130.
Molecular consequence: frameshift variant.
Genome position (GRCh38, 1-based): chr16:681,463-681,466, GCTG duplicated; duplicating any 4 consecutive bases within chr16:681,462-681,466 gives the same sequence; the c. name uses the placement nearest the transcript's 3' end. VCF-style (leftmost placement, unchanged base first): chr16-681461-C-CGGCT. GRCh37 (hg19) VCF-style: chr16-731461-C-CGGCT.
Other names: c.168_171dup, p.Asn58fs (NM_001293197.2); short protein forms N130fs, N58fs.
Identifiers: ClinVar variation 3067686 (VCV003067686.21), dbSNP rs2543805016, ClinGen allele CA2825002416.

ClinVar aggregate classification (germline): Pathogenic (1 of 4 stars; one submission).

Submission:

CeGaT Center for Human Genetics Tuebingen
Classification: Pathogenic. Last evaluated: 2024-03-01. Review status: criteria provided, single submitter. Criteria: CeGaT Center For Human Genetics Tuebingen Variant Classification Criteria Version 2. Collection method: clinical testing. Allele origin: germline. Affected: yes. Observed: 1 variant allele.
Comment: STUB1: PVS1, PM2